The following is an entry in ClinVar:

NM_015047.3(EMC1):c.2154C>T (p.His718=)

Genes: EMC1 (ER membrane protein complex subunit 1; minus strand), EMC1-AS1 (EMC1 antisense RNA 1; plus strand). Cytogenetic location: 1p36.13.
Variant type: single nucleotide variant.
Coding change: c.2154C>T on transcript NM_015047.3 (MANE Select); coding-DNA position 2154, C replaced by T.
Protein change: p.His718=; no amino-acid change (histidine 718 retained).
Molecular consequence: synonymous variant.
Genome position (GRCh38, 1-based): chr1:19,227,361, G>A on the plus strand (C>T on the coding strand, the complement: EMC1 is on the minus strand). VCF-style: chr1-19227361-G-A. GRCh37 (hg19) VCF-style: chr1-19553855-G-A.
Other names: c.2154C>T (NM_015047.2); c.2151C>T, p.His717= (NM_001271427.2, NM_001271428.2); c.2088C>T, p.His696= (NM_001271429.2); c.2163C>T, p.His721= (NM_001375820.1); c.2160C>T, p.His720= (NM_001375821.1).
Identifiers: ClinVar variation 2964686 (VCV002964686.4), dbSNP rs749449853, ClinGen allele CA652380.

ClinVar aggregate classification (germline): Likely benign. Review status: criteria provided, single submitter (1 of 4 stars). 2 submissions from 2 submitters: Likely benign (1). 1 of the submissions does not count toward it. Last evaluated 2025-11-10.

Conditions:
EMC1-related disorder. Also called: EMC1-related condition.

Allele frequency attached by ClinVar (database versions not stated): ExAC 0.00002; gnomAD 0.00001; TOPMed 0.00001.
gnomAD v4.1: 19 of 1,614,034 alleles (0.0012%); highest among the groups gnomAD compares: East Asian, 0.0022%; no homozygotes.

Submissions (2):

Labcorp Genetics (formerly Invitae), Labcorp
Classification: Likely benign. Last evaluated: 2025-11-10. Review status: criteria provided, single submitter. Criteria: Invitae Variant Classification Sherloc (09022015). Collection method: clinical testing. Allele origin: germline.

PreventionGenetics, part of Exact Sciences
Classification: Likely benign for EMC1-related condition. Last evaluated: 2019-11-19. Review status: no assertion criteria provided. Collection method: clinical testing. Allele origin: germline. Not counted in ClinVar's aggregate classification.
Comment: This variant is classified as likely benign based on ACMG/AMP sequence variant interpretation guidelines (Richards et al. 2015 PMID: 25741868, with internal and published modifications).